The following is an entry in ClinVar:

NM_001370259.2(MEN1):c.31T>G (p.Phe11Val)

Gene: MEN1 (menin 1; minus strand). Cytogenetic location: 11q13.1.
Variant type: single nucleotide variant.
Coding change: c.31T>G on transcript NM_001370259.2 (MANE Select); coding-DNA position 31, T replaced by G.
Protein change: p.Phe11Val; replaces phenylalanine 11 with valine.
Molecular consequence: missense variant. On other transcripts: non-coding transcript variant (4).
Genome position (GRCh38, 1-based): chr11:64,810,079, A>C on the plus strand (T>G on the coding strand, the complement: MEN1 is on the minus strand). VCF-style: chr11-64810079-A-C. GRCh37 (hg19) VCF-style: chr11-64577551-A-C.
Other names: c.31T>G, p.Phe11Val (NM_000244.4, NM_001370251.2, NM_001370260.2 and 20 more transcripts); short protein forms F11V.
Identifiers: ClinVar variation 2564978 (VCV002564978.2), dbSNP rs2497290342, ClinGen allele CA381188240.

ClinVar aggregate classification (germline): Uncertain significance (1 of 4 stars; one submission).

Conditions:
Hereditary cancer-predisposing syndrome. Also called: Neoplastic Syndromes, Hereditary; Hereditary Cancer Syndrome; Hereditary neoplastic syndrome; Tumor predisposition. Identifiers: Orphanet 140162, MedGen C0027672, MeSH D009386, MONDO:0015356.

Submission:

Ambry Genetics
Classification: Uncertain significance for Hereditary cancer-predisposing syndrome. Last evaluated: 2023-04-28. Review status: criteria provided, single submitter. Criteria: Ambry Variant Classification Scheme 2023. Collection method: clinical testing. Allele origin: germline.
Comment: The p.F11V variant (also known as c.31T>G), located in coding exon 1 of the MEN1 gene, results from a T to G substitution at nucleotide position 31. The phenylalanine at codon 11 is replaced by valine, an amino acid with highly similar properties. This amino acid position is conserved. In addition, this alteration is predicted to be deleterious by in silico analysis. Since supporting evidence is limited at this time, the clinical significance of this alteration remains unclear.